The following is an entry in ClinVar:

NM_025233.7(COASY):c.1183G>A (p.Ala395Thr)

Gene: COASY (Coenzyme A synthase; plus strand). Cytogenetic location: 17q21.2.
Variant type: single nucleotide variant.
Coding change: c.1183G>A on transcript NM_025233.7 (MANE Select); coding-DNA position 1183, G replaced by A.
Protein change: p.Ala395Thr; replaces alanine 395 with threonine.
Molecular consequence: missense variant.
Genome position (GRCh38, 1-based): chr17:42,564,844, G>A. VCF-style: chr17-42564844-G-A. GRCh37 (hg19) VCF-style: chr17-40716862-G-A.
Other names: c.1270G>A (NM_001042532.2); c.1183G>A, p.Ala395Thr (NM_001042529.3); c.1270G>A, p.Ala424Thr (NM_001042532.4); short protein forms A395T, A424T.
Identifiers: ClinVar variation 649844 (VCV000649844.15), dbSNP rs139263701, ClinGen allele CA8578215.

ClinVar aggregate classification (germline): Uncertain significance. Review status: criteria provided, multiple submitters, no conflicts (2 of 4 stars). 4 submissions from 4 submitters: Uncertain significance (4). Last evaluated 2025-10-22.

Conditions:
Neurodegeneration with brain iron accumulation 6 (NBIA6). Also called: COASY protein-associated neurodegeneration. Identifiers: Orphanet 397725, MedGen C4517377, MONDO:0014290, OMIM 615643.

Allele frequency attached by ClinVar (database versions not stated): gnomAD 0.00068 and 0.00070; ESP Exome Variant Server 0.00077; gnomAD exomes 0.00122 and 0.00056; TOPMed 0.00062; ExAC 0.00066.
gnomAD v4.1: 1,813 of 1,584,372 alleles (0.11%); highest among the groups gnomAD compares: Non-Finnish European, 0.15%; 2 homozygotes.

Submissions (4):

GeneDx
Classification: Uncertain significance. Last evaluated: 2025-10-22. Review status: criteria provided, single submitter. Criteria: GeneDx Variant Classification Process June 2021. Collection method: clinical testing. Allele origin: germline. Affected: yes.
Comment: In silico analysis suggests that this missense variant does not alter protein structure/function; Has not been previously published as pathogenic or benign to our knowledge

Blueprint Genetics
Classification: Uncertain significance. Last evaluated: 2024-10-10. Review status: criteria provided, single submitter. Criteria: ACMG Guidelines, 2015. Collection method: clinical testing. Allele origin: germline.

Ambry Genetics
Classification: Uncertain significance. Last evaluated: 2024-08-01. Review status: criteria provided, single submitter. Criteria: Ambry Variant Classification Scheme 2023. Collection method: clinical testing. Allele origin: germline.
Comment: Does not currently meet published gene-disease clinical validity criteria for this gene (Smith, 2017) Based on insufficient or conflicting evidence, the clinical significance of this alteration remains unclear.

Labcorp Genetics (formerly Invitae), Labcorp
Classification: Uncertain significance for Neurodegeneration with brain iron accumulation 6. Last evaluated: 2022-10-05. Review status: criteria provided, single submitter. Criteria: Invitae Variant Classification Sherloc (09022015). Collection method: clinical testing. Allele origin: germline.
Comment: This sequence change replaces alanine, which is neutral and non-polar, with threonine, which is neutral and polar, at codon 395 of the COASY protein (p.Ala395Thr). This variant is present in population databases (rs139263701, gnomAD 0.1%), and has an allele count higher than expected for a pathogenic variant. This variant has not been reported in the literature in individuals affected with COASY-related conditions. ClinVar contains an entry for this variant (Variation ID: 649844). Advanced modeling of protein sequence and biophysical properties (such as structural, functional, and spatial information, amino acid conservation, physicochemical variation, residue mobility, and thermodynamic stability) performed at Invitae indicates that this missense variant is not expected to disrupt COASY protein function. In summary, the available evidence is currently insufficient to determine the role of this variant in disease. Therefore, it has been classified as a Variant of Uncertain Significance.

Literature cited by the submitters: PubMed 28106320 (cited by Ambry Genetics).